The following is an entry in ClinVar:

NM_014249.4(NR2E3):c.1196C>T (p.Pro399Leu)

Gene: NR2E3 (nuclear receptor subfamily 2 group E member 3; plus strand). Cytogenetic location: 15q23.
Variant type: single nucleotide variant.
Coding change: c.1196C>T on transcript NM_014249.4 (MANE Select); coding-DNA position 1196, C replaced by T.
Protein change: p.Pro399Leu; replaces proline 399 with leucine.
Molecular consequence: missense variant.
Genome position (GRCh38, 1-based): chr15:71,817,647, C>T. VCF-style: chr15-71817647-C-T. GRCh37 (hg19) VCF-style: chr15-72109988-C-T.
Other names: short protein forms P399L.
Identifiers: ClinVar variation 1902439 (VCV001902439.2), dbSNP rs1049248530, ClinGen allele CA272576442.

ClinVar aggregate classification (germline): Uncertain significance (1 of 4 stars; one submission).

Allele frequency attached by ClinVar (database versions not stated): gnomAD 0.00001; gnomAD exomes 0.00001.
gnomAD v4.1: 15 of 1,607,642 alleles (0.00093%); highest among the groups gnomAD compares: Non-Finnish European, 0.0012%; no homozygotes.

Submission:

Labcorp Genetics (formerly Invitae), Labcorp
Classification: Uncertain significance. Last evaluated: 2022-08-19. Review status: criteria provided, single submitter. Criteria: Invitae Variant Classification Sherloc (09022015). Collection method: clinical testing. Allele origin: germline.
Comment: This sequence change replaces proline, which is neutral and non-polar, with leucine, which is neutral and non-polar, at codon 399 of the NR2E3 protein (p.Pro399Leu). This variant is not present in population databases (gnomAD no frequency). This variant has not been reported in the literature in individuals affected with NR2E3-related conditions. Experimental studies and prediction algorithms are not available or were not evaluated, and the functional significance of this variant is currently unknown. In summary, the available evidence is currently insufficient to determine the role of this variant in disease. Therefore, it has been classified as a Variant of Uncertain Significance.